The following is an entry in ClinVar:

ClinVar aggregate classification (germline): Likely pathogenic (1 of 4 stars; one submission).

Conditions:
Bryant-Li-Bhoj neurodevelopmental syndrome 2 (BRYLIB2). Also called: H3-3B syndrome. Identifiers: MedGen C5676906, MONDO:0030607, OMIM 619721. Disease mechanism: loss of function.

Submission:

Laboratory of Medical Genetics, National & Kapodistrian University of Athens
Classification: Likely pathogenic for Bryant-Li-Bhoj neurodevelopmental syndrome 2. Last evaluated: 2022-09-01. Review status: criteria provided, single submitter. Criteria: ACMG Guidelines, 2015. Collection method: clinical testing. Allele origin: de novo. Affected: yes.
Comment: PS2, PM2, PP2, PP3

NM_005324.5(H3-3B):c.35C>T (p.Thr12Ile)

Gene: H3-3B (H3.3 histone B; minus strand). Cytogenetic location: 17q25.1.
Variant type: single nucleotide variant.
Coding change: c.35C>T on transcript NM_005324.5 (MANE Select); coding-DNA position 35, C replaced by T.
Protein change: p.Thr12Ile; replaces threonine 12 with isoleucine.
Molecular consequence: missense variant.
Genome position (GRCh38, 1-based): chr17:75,779,140, G>A on the plus strand (C>T on the coding strand, the complement: H3-3B is on the minus strand). VCF-style: chr17-75779140-G-A. GRCh37 (hg19) VCF-style: chr17-73775221-G-A.
Other names: short protein forms T12I.
Identifiers: ClinVar variation 1708061 (VCV001708061.1), dbSNP rs2545911185, ClinGen allele CA401118765.
Genomic context (GRCh38, chr17:75,779,140, plus strand): 5'-GAGGGAGCGCTTTTCCTGGCGGCTTTCGTGGCCAGCTGTTTGCGGGGGGCTTTCCCACCG[G>A]TGGACTTACGAGCAGTCTGCTTGGTTCGGGCCATTTTCTTTCACCTAAGAAAGACGCCCC-3'
Protein context (NP_005315.1, residues 2-22): ARTKQTARKS[Thr12Ile]GGKAPRKQLA